The following is an entry in ClinVar:

NM_000245.4(MET):c.2198C>T (p.Thr733Ile)

Gene: MET (MET proto-oncogene, receptor tyrosine kinase; plus strand). Cytogenetic location: 7q31.2.
Variant type: single nucleotide variant.
Coding change: c.2198C>T on transcript NM_000245.4 (MANE Select); coding-DNA position 2198, C replaced by T.
Protein change: p.Thr733Ile; replaces threonine 733 with isoleucine.
Molecular consequence: missense variant.
Genome position (GRCh38, 1-based): chr7:116,758,554, C>T. VCF-style: chr7-116758554-C-T. GRCh37 (hg19) VCF-style: chr7-116398608-C-T.
Other names: c.2198C>T (NM_001127500.2); c.2198C>T, p.Thr733Ile (NM_001127500.3, NM_001324401.3); c.908C>T, p.Thr303Ile (NM_001324402.2); short protein forms T733I, T303I.
Identifiers: ClinVar variation 188337 (VCV000188337.24), dbSNP rs201271860, ClinGen allele CA334650.

ClinVar aggregate classification (germline): Conflicting classifications of pathogenicity. Review status: criteria provided, conflicting classifications (1 of 4 stars). 8 submissions from 8 submitters: Uncertain significance (5); Likely benign (2). 1 of the submissions does not count toward it. Last evaluated 2026-01-28.

Conditions:
MET-related disorder. Also called: MET-related condition.
Renal cell carcinoma. Identifiers: Orphanet 217071, MedGen C0007134, MeSH D002292, MONDO:0005086, HP:0005584.
Hereditary cancer-predisposing syndrome. Also called: Hereditary Cancer Syndrome; Neoplastic Syndromes, Hereditary; Hereditary neoplastic syndrome; Tumor predisposition. Identifiers: Orphanet 140162, MedGen C0027672, MeSH D009386, MONDO:0015356.
Papillary renal cell carcinoma type 1 (RCCP1). Also called: Renal adenocarcinoma; Renal cell carcinoma 1; Renal cell carcinoma, somatic; RENAL CELL CARCINOMA, PAPILLARY, 1, SOMATIC. Identifiers: Orphanet 47044, MedGen C1336839, OMIM 605074, HP:0011797.

Allele frequency attached by ClinVar (database versions not stated): ExAC 0.00010; ESP Exome Variant Server 0.00025; gnomAD 0.00027 and 0.00029; TOPMed 0.00027.
gnomAD v4.1: 97 of 1,613,778 alleles (0.006%); highest among the groups gnomAD compares: African/African-American, 0.08%; no homozygotes.

Submissions (8):

Labcorp Genetics (formerly Invitae), Labcorp
Classification: Likely benign for Renal cell carcinoma. Last evaluated: 2026-01-28. Review status: criteria provided, single submitter. Criteria: Invitae Variant Classification Sherloc (09022015). Collection method: clinical testing. Allele origin: germline.

Center for Genomic Medicine, Rigshospitalet, Copenhagen University Hospital
Classification: Uncertain significance. Last evaluated: 2025-12-29. Review status: criteria provided, single submitter. Criteria: ACMG Guidelines, 2015. Collection method: clinical testing. Allele origin: germline.

St. Jude Molecular Pathology, St. Jude Children's Research Hospital
Classification: Uncertain significance for Papillary renal cell carcinoma type 1. Last evaluated: 2024-07-20. Review status: criteria provided, single submitter. Criteria: St. Jude Assertion Criteria 2020. Collection method: clinical testing. Allele origin: germline.
Comment: The MET c.2198C>T (p.Thr733Ile)? missense change has a maximum subpopulation frequency of 0.09% in gnomAD v2.1.1. The in silico tool REVEL predicts a benign effect on protein function, but to our knowledge this prediction has not been confirmed by functional studies. To our knowledge, this variant has not been reported in individuals with hereditary papillary renal cell carcinoma. In summary, the evidence currently available is insufficient to determine the clinical significance of this variant. It has therefore been classified as of uncertain significance.??

Quest Diagnostics Nichols Institute San Juan Capistrano
Classification: Uncertain significance. Last evaluated: 2024-02-15. Review status: criteria provided, single submitter. Criteria: Quest Diagnostics criteria. Collection method: clinical testing. Allele origin: unknown.

GeneDx
Classification: Uncertain significance. Last evaluated: 2022-11-22. Review status: criteria provided, single submitter. Criteria: GeneDx Variant Classification Process June 2021. Collection method: clinical testing. Allele origin: germline. Affected: yes.
Comment: In silico analysis supports that this missense variant does not alter protein structure/function; Has not been previously published as pathogenic or benign to our knowledge; This variant is associated with the following publications: (PMID: 24793135)

Sema4
Classification: Uncertain significance for Hereditary cancer-predisposing syndrome. Last evaluated: 2021-08-04. Review status: criteria provided, single submitter. Criteria: Sema4 Curation Guidelines. Collection method: curation. Allele origin: germline.
Comment: The MET c.2198C>T (p.T733I) variant has not been reported in the literature to our knowledge. It was observed in 22/24014 chromosomes of the African subpopulation, with no homozygotes, in the Genome Aggregation Database (PMID: 32461654) and has been reported in ClinVar (Variation ID 188337). In silico tools suggest the impact of the variant on protein function is benign, though these predictions have not been confirmed by functional studies. There is no indication that this variant causes disease, but the evidence is insufficient currently to prove that conclusively. Thus, the clinical significance of this variant is currently uncertain.

Ambry Genetics
Classification: Likely benign for Hereditary cancer-predisposing syndrome. Last evaluated: 2020-03-30. Review status: criteria provided, single submitter. Criteria: Ambry Variant Classification Scheme 2023. Collection method: clinical testing. Allele origin: germline.

PreventionGenetics, part of Exact Sciences
Classification: Likely benign for MET-related condition. Last evaluated: 2024-05-01. Review status: no assertion criteria provided. Collection method: clinical testing. Allele origin: germline. Not counted in ClinVar's aggregate classification.
Comment: This variant is classified as likely benign based on ACMG/AMP sequence variant interpretation guidelines (Richards et al. 2015 PMID: 25741868, with internal and published modifications).